The following is an entry in ClinVar:

NM_022748.12(TNS3):c.4122C>T (p.Pro1374=)

Gene: TNS3 (tensin 3; minus strand). Cytogenetic location: 7p12.3.
Variant type: single nucleotide variant.
Coding change: c.4122C>T on transcript NM_022748.12 (MANE Select); coding-DNA position 4122, C replaced by T.
Protein change: p.Pro1374=; no amino-acid change (proline 1374 retained).
Molecular consequence: synonymous variant.
Genome position (GRCh38, 1-based): chr7:47,280,330, G>A on the plus strand (C>T on the coding strand, the complement: TNS3 is on the minus strand). VCF-style: chr7-47280330-G-A. GRCh37 (hg19) VCF-style: chr7-47319928-G-A.
Identifiers: ClinVar variation 728532 (VCV000728532.28), dbSNP rs183336114, ClinGen allele CA4250063.

ClinVar aggregate classification (germline): Benign. Review status: criteria provided, multiple submitters, no conflicts (2 of 4 stars). 2 submissions from 2 submitters: Benign (2). Last evaluated 2023-05-01.

Allele frequency attached by ClinVar (database versions not stated): gnomAD 0.00209 and 0.00215; 1000 Genomes Project 0.00220; TOPMed 0.00226; gnomAD exomes 0.00228 and 0.00298; ESP Exome Variant Server 0.00233; 1000 Genomes Project 30x 0.00250; ExAC 0.00322.
gnomAD v4.1: 3,729 of 1,614,142 alleles (0.23%); highest among the groups gnomAD compares: Middle Eastern, 1.5%; 25 homozygotes.

Submissions (2):

CeGaT Center for Human Genetics Tuebingen
Classification: Benign. Last evaluated: 2023-05-01. Review status: criteria provided, single submitter. Criteria: CeGaT Center For Human Genetics Tuebingen Variant Classification Criteria Version 2. Collection method: clinical testing. Allele origin: germline. Affected: yes. Observed: 2 variant alleles.
Comment: TNS3: BP4, BP7, BS1, BS2

Labcorp Genetics (formerly Invitae), Labcorp
Classification: Benign. Last evaluated: 2019-12-31. Review status: criteria provided, single submitter. Criteria: Invitae Variant Classification Sherloc (09022015). Collection method: clinical testing. Allele origin: germline.